The following is an entry in ClinVar:

NM_001277115.2(DNAH11):c.1134_1139del (p.Asn379_Thr380del)

Gene: DNAH11 (dynein axonemal heavy chain 11; plus strand). Cytogenetic location: 7p15.3.
Variant type: Deletion.
Coding change: c.1134_1139del on transcript NM_001277115.2 (MANE Select); coding-DNA positions 1134 to 1139, 6 bases deleted (TAACAC; older notation c.1134_1139delTAACAC).
Protein change: p.Asn379_Thr380del.
Molecular consequence: inframe deletion.
Genome position (GRCh38, 1-based): chr7:21,564,337-21,564,342, TAACAC deleted. VCF-style (leftmost placement, unchanged base first): chr7-21564336-ATAACAC-A. GRCh37 (hg19) VCF-style: chr7-21603954-ATAACAC-A.
Other names: c.1134_1139del6 (NM_001277115.1).
Identifiers: ClinVar variation 967838 (VCV000967838.8), dbSNP rs765249771, ClinGen allele CA4178909.

ClinVar aggregate classification (germline): Uncertain significance. Review status: criteria provided, single submitter (1 of 4 stars). 2 submissions from 2 submitters: Uncertain significance (1). 1 of the submissions does not count toward it. Last evaluated 2022-06-15.

Conditions:
DNAH11-related disorder. Also called: DNAH11-related condition.
Primary ciliary dyskinesia. Also called: Ciliary dyskinesia. Identifiers: Orphanet 244, MedGen C0008780, MONDO:0016575, HP:0012265.

Allele frequency attached by ClinVar (database versions not stated): gnomAD exomes 0.00001 and 0.00003; ExAC 0.00004; ESP Exome Variant Server 0.00009; TOPMed 0.00016; gnomAD 0.00017 and 0.00019.

Submissions (2):

Labcorp Genetics (formerly Invitae), Labcorp
Classification: Uncertain significance for Primary ciliary dyskinesia. Last evaluated: 2022-06-15. Review status: criteria provided, single submitter. Criteria: Invitae Variant Classification Sherloc (09022015). Collection method: clinical testing. Allele origin: germline.
Comment: This variant, c.1134_1139del, results in the deletion of 2 amino acid(s) of the DNAH11 protein (p.Asn379_Thr380del), but otherwise preserves the integrity of the reading frame. This variant is present in population databases (rs765249771, gnomAD 0.05%). This variant has not been reported in the literature in individuals affected with DNAH11-related conditions. ClinVar contains an entry for this variant (Variation ID: 967838). Experimental studies and prediction algorithms are not available or were not evaluated, and the functional significance of this variant is currently unknown. In summary, the available evidence is currently insufficient to determine the role of this variant in disease. Therefore, it has been classified as a Variant of Uncertain Significance.

PreventionGenetics, part of Exact Sciences
Classification: Uncertain significance for DNAH11-related condition. Last evaluated: 2024-05-14. Review status: no assertion criteria provided. Collection method: clinical testing. Allele origin: germline. Not counted in ClinVar's aggregate classification.
Comment: The DNAH11 c.1134_1139del6 variant is predicted to result in an in-frame deletion (p.Asn379_Thr380del). To our knowledge, this variant has not been reported in the literature. This variant is reported in 0.058% of alleles in individuals of African descent in gnomAD. At this time, the clinical significance of this variant is uncertain due to the absence of conclusive functional and genetic evidence.